The following is an entry in ClinVar:

ClinVar aggregate classification (germline): Uncertain significance. Review status: criteria provided, multiple submitters, no conflicts (2 of 4 stars). 2 submissions from 2 submitters: Uncertain significance (2). Last evaluated 2025-06-11.

Conditions:
Inborn genetic diseases. Identifiers: MedGen C0950123, MeSH D030342.

Allele frequency attached by ClinVar (database versions not stated): gnomAD exomes 0.00001; ExAC 0.00002; gnomAD 0.00005; ESP Exome Variant Server 0.00008; TOPMed 0.00015.

Submissions (2):

Women's Health and Genetics/Laboratory Corporation of America, LabCorp
Classification: Uncertain significance. Last evaluated: 2025-06-11. Review status: criteria provided, single submitter. Criteria: LabCorp Variant Classification Summary - May 2015. Collection method: clinical testing. Allele origin: germline.
Comment: Variant summary: SLC33A1 c.71A>G (p.Asp24Gly) results in a non-conservative amino acid change in the encoded protein sequence. Algorithms developed to predict the effect of missense changes on protein structure and function are either unavailable or do not agree on the potential impact of this missense change. The variant allele was found at a frequency of 3.2e-05 in 185784 control chromosomes. The available data on variant occurrences in the general population are insufficient to allow any conclusion about variant significance. To our knowledge, no occurrence of c.71A>G in individuals affected with Congenital Cataract-Hearing Loss-Severe Developmental Delay Syndrome and no experimental evidence demonstrating its impact on protein function have been reported. ClinVar contains an entry for this variant (Variation ID: 2204801). Based on the evidence outlined above, the variant was classified as uncertain significance.

Ambry Genetics
Classification: Uncertain significance for Inborn genetic diseases. Last evaluated: 2020-11-19. Review status: criteria provided, single submitter. Criteria: Ambry Variant Classification Scheme 2023. Collection method: clinical testing. Allele origin: germline.
Comment: The c.71A>G (p.D24G) alteration is located in exon 1 (coding exon 1) of the SLC33A1 gene. This alteration results from a A to G substitution at nucleotide position 71, causing the aspartic acid (D) at amino acid position 24 to be replaced by a glycine (G). The p.D24G alteration is predicted to be tolerated by in silico analysis. Based on insufficient or conflicting evidence, the clinical significance of this alteration remains unclear.

NM_004733.4(SLC33A1):c.71A>G (p.Asp24Gly)

Gene: SLC33A1 (solute carrier family 33 member 1; minus strand). Cytogenetic location: 3q25.31.
Variant type: single nucleotide variant.
Coding change: c.71A>G on transcript NM_004733.4 (MANE Select); coding-DNA position 71, A replaced by G.
Protein change: p.Asp24Gly; replaces aspartic acid 24 with glycine.
Molecular consequence: missense variant.
Genome position (GRCh38, 1-based): chr3:155,853,927, T>C on the plus strand (A>G on the coding strand, the complement: SLC33A1 is on the minus strand). VCF-style: chr3-155853927-T-C. GRCh37 (hg19) VCF-style: chr3-155571716-T-C.
Other names: c.71A>G, p.Asp24Gly (NM_001190992.2, NM_001363883.1); short protein forms D24G.
Identifiers: ClinVar variation 2204801 (VCV002204801.3), dbSNP rs2228299, ClinGen allele CA2677462.